The following is an entry in ClinVar:

NM_001005242.3(PKP2):c.889A>T (p.Ser297Cys)

Gene: PKP2 (plakophilin 2; minus strand). Cytogenetic location: 12p11.21.
Variant type: single nucleotide variant.
Coding change: c.889A>T on transcript NM_001005242.3 (MANE Select); coding-DNA position 889, A replaced by T.
Protein change: p.Ser297Cys; replaces serine 297 with cysteine.
Molecular consequence: missense variant.
Genome position (GRCh38, 1-based): chr12:32,877,991, T>A on the plus strand (A>T on the coding strand, the complement: PKP2 is on the minus strand). VCF-style: chr12-32877991-T-A. GRCh37 (hg19) VCF-style: chr12-33030925-T-A.
Other names: c.889A>T, p.Ser297Cys (NM_001407155.1, NM_001407156.1, NM_001407157.1 and 2 more transcripts); c.562A>T, p.Ser188Cys (NM_001407158.1, NM_001407159.1, NM_001407160.1 and 1 more transcripts); short protein forms S188C, S297C.
Identifiers: ClinVar variation 3933320 (VCV003933320.1).

ClinVar aggregate classification (germline): Uncertain significance (1 of 4 stars; one submission).

Conditions:
Cardiovascular phenotype. Identifiers: MedGen CN230736.

gnomAD v4.1: 4 of 1,613,958 alleles (0.00025%); highest among the groups gnomAD compares: African/African-American, 0.0053%; no homozygotes.

Submission:

Ambry Genetics
Classification: Uncertain significance for Cardiovascular phenotype. Last evaluated: 2025-05-06. Review status: criteria provided, single submitter. Criteria: Ambry Variant Classification Scheme 2023. Collection method: clinical testing. Allele origin: germline.
Comment: The p.S297C variant (also known as c.889A>T), located in coding exon 3 of the PKP2 gene, results from an A to T substitution at nucleotide position 889. The serine at codon 297 is replaced by cysteine, an amino acid with dissimilar properties. This amino acid position is conserved. In addition, the in silico prediction for this alteration is inconclusive. Based on the available evidence, the clinical significance of this variant remains unclear.